The following is an entry in ClinVar:

NM_001384140.1(PCDH15):c.319-3C>T

Gene: PCDH15 (protocadherin related 15; minus strand). Cytogenetic location: 10q21.1.
Variant type: single nucleotide variant.
Coding change: c.319-3C>T on transcript NM_001384140.1 (MANE Select); 3 bases into the intron before coding-DNA position 319, C replaced by T.
Molecular consequence: intron variant.
Genome position (GRCh38, 1-based): chr10:54,369,278, G>A on the plus strand (C>T on the coding strand, the complement: PCDH15 is on the minus strand). VCF-style: chr10-54369278-G-A. GRCh37 (hg19) VCF-style: chr10-56129038-G-A.
Other names: c.319-3C>T (NM_001354420.2, NM_001354429.2, NM_001142772.2 and 8 more transcripts); c.334-3C>T (NM_001142771.2, NM_001142769.3, NM_001142763.2); c.253-3C>T (NM_001354404.2, NM_001142773.2, NM_001142768.2).
Identifiers: ClinVar variation 1447761 (VCV001447761.5), dbSNP rs773981919, ClinGen allele CA5506717.
Genomic context (GRCh38, chr10:54,369,278, plus strand): 5'-CCACTTTTTTGTTGATGCACTGGACCTGCACCACAATGGAGTGTATGTTCATCGGTGGCT[G>A]CAATGTAGAAATTGCATCTTTTAAAATACTAATTAAAAACAAAGCTTCTCATCACTGTCA-3'

ClinVar aggregate classification (germline): Uncertain significance (1 of 4 stars; one submission).

Allele frequency attached by ClinVar (database versions not stated): gnomAD exomes 0.00001 and below 0.00001; gnomAD 0.00002; TOPMed 0.00001; ExAC 0.00001.
gnomAD v4.1: 7 of 1,611,796 alleles (0.00043%); highest among the groups gnomAD compares: African/African-American, 0.0053%; no homozygotes.

Submission:

Labcorp Genetics (formerly Invitae), Labcorp
Classification: Uncertain significance. Last evaluated: 2021-09-16. Review status: criteria provided, single submitter. Criteria: Invitae Variant Classification Sherloc (09022015). Collection method: clinical testing. Allele origin: germline.
Comment: This sequence change falls in intron 4 of the PCDH15 gene. It does not directly change the encoded amino acid sequence of the PCDH15 protein, but it affects a nucleotide within the consensus splice site of the intron. This variant is present in population databases (rs773981919, ExAC 0.006%). This variant has not been reported in the literature in individuals with PCDH15-related conditions. Nucleotide substitutions within the consensus splice site are a relatively common cause of aberrant splicing (PMID: 17576681, 9536098). Algorithms developed to predict the effect of sequence changes on RNA splicing suggest that this variant may disrupt the consensus splice site, but this prediction has not been confirmed by published transcriptional studies. In summary, the available evidence is currently insufficient to determine the role of this variant in disease. Therefore, it has been classified as a Variant of Uncertain Significance.

Literature cited by the submitters: PubMed 17576681; PubMed 9536098.